The following is an entry in ClinVar:

NM_004999.4(MYO6):c.614G>A (p.Arg205Gln)

Gene: MYO6 (myosin VI; plus strand). Cytogenetic location: 6q14.1.
Variant type: single nucleotide variant.
Coding change: c.614G>A on transcript NM_004999.4 (MANE Select); coding-DNA position 614, G replaced by A.
Protein change: p.Arg205Gln; replaces arginine 205 with glutamine.
Molecular consequence: missense variant. On other transcripts: non-coding transcript variant (2).
Genome position (GRCh38, 1-based): chr6:75,840,645, G>A. VCF-style: chr6-75840645-G-A. GRCh37 (hg19) VCF-style: chr6-76550362-G-A.
Other names: c.614G>A, p.Arg205Gln (NM_001300899.2, NM_001368136.1, NM_001368137.1 and 4 more transcripts); c.599G>A, p.Arg200Gln (NM_001368138.1); c.614G>A (NM_004999.3); short protein forms R200Q, R205Q.
Identifiers: ClinVar variation 1518752 (VCV001518752.6), dbSNP rs2150250121, ClinGen allele CA364770833.

ClinVar aggregate classification (germline): Uncertain significance. Review status: criteria provided, multiple submitters, no conflicts (2 of 4 stars). 2 submissions from 2 submitters: Uncertain significance (2). Last evaluated 2023-07-17.

Conditions:
MYO6-related disorder. Also called: MYO6-related disorders; MYO6-related condition.

Submissions (2):

Labcorp Genetics (formerly Invitae), Labcorp
Classification: Uncertain significance. Last evaluated: 2023-07-17. Review status: criteria provided, single submitter. Criteria: Invitae Variant Classification Sherloc (09022015). Collection method: clinical testing. Allele origin: germline.
Comment: In summary, the available evidence is currently insufficient to determine the role of this variant in disease. Therefore, it has been classified as a Variant of Uncertain Significance. Experimental studies have shown that this missense change affects MYO6 function (PMID: 25080041). Advanced modeling of protein sequence and biophysical properties (such as structural, functional, and spatial information, amino acid conservation, physicochemical variation, residue mobility, and thermodynamic stability) performed at Invitae indicates that this missense variant is expected to disrupt MYO6 protein function. ClinVar contains an entry for this variant (Variation ID: 1518752). This missense change has been observed in individuals with autosomal dominant and autosomal recessive deafness (PMID: 25080041, 32143290; Invitae). This variant is not present in population databases (gnomAD no frequency). This sequence change replaces arginine, which is basic and polar, with glutamine, which is neutral and polar, at codon 205 of the MYO6 protein (p.Arg205Gln).

PreventionGenetics, part of Exact Sciences
Classification: Uncertain significance for MYO6-related condition. Last evaluated: 2022-12-23. Review status: criteria provided, single submitter. Criteria: ACMG Guidelines, 2015. Collection method: clinical testing. Allele origin: germline.
Comment: The MYO6 c.614G>A variant is predicted to result in the amino acid substitution p.Arg205Gln. This variant was reported in at least two patients with autosomal dominant deafness, with onset between the first and fifth decade of progressive mild to moderate hearing loss (Table S2, Miyagawa et al. 2013. PubMed ID: 23967202; Kwon et al. 2014. PubMed ID: 25080041; Oka et al. 2020. PubMed ID: 32143290). In an in vitro study this variant exhibited diminished actin-activated ATPase activity and actin gliding velocity of myosin VI (Kwon et al. 2014. PubMed ID: 25080041). This variant has not been reported in a large population database, indicating this variant is rare. Although we suspect that this variant may be pathogenic, at this time, the clinical significance of this variant is uncertain due to the absence of conclusive functional and genetic evidence.

Literature cited by the submitters: PubMed 25080041 (cited by Labcorp Genetics (formerly Invitae), Labcorp); PubMed 32143290 (cited by Labcorp Genetics (formerly Invitae), Labcorp).